The following is an entry in ClinVar:

ClinVar aggregate classification (germline): Likely benign. Review status: criteria provided, multiple submitters, no conflicts (2 of 4 stars). 2 submissions from 2 submitters: Likely benign (2). Last evaluated 2026-01-25.

Allele frequency attached by ClinVar (database versions not stated): ExAC 0.00003.
gnomAD v4.1: 48 of 1,604,986 alleles (0.003%); highest among the groups gnomAD compares: South Asian, 0.036%; no homozygotes.

Submissions (2):

Labcorp Genetics (formerly Invitae), Labcorp
Classification: Likely benign. Last evaluated: 2026-01-25. Review status: criteria provided, single submitter. Criteria: Invitae Variant Classification Sherloc (09022015). Collection method: clinical testing. Allele origin: germline.

CeGaT Center for Human Genetics Tuebingen
Classification: Likely benign. Last evaluated: 2023-01-01. Review status: criteria provided, single submitter. Criteria: CeGaT Center For Human Genetics Tuebingen Variant Classification Criteria Version 2. Collection method: clinical testing. Allele origin: germline. Affected: yes. Observed: 1 variant allele.
Comment: SKIC2: BP4, BP7

NM_006929.5(SKIC2):c.795G>A (p.Ala265=)

Gene: SKIC2 (SKI2 subunit of superkiller complex; plus strand). Cytogenetic location: 6p21.33.
Variant type: single nucleotide variant.
Coding change: c.795G>A on transcript NM_006929.5 (MANE Select); coding-DNA position 795, G replaced by A.
Protein change: p.Ala265=; no amino-acid change (alanine 265 retained).
Molecular consequence: synonymous variant.
Genome position (GRCh38, 1-based): chr6:31,961,552, G>A. VCF-style: chr6-31961552-G-A. GRCh37 (hg19) VCF-style: chr6-31929329-G-A.
Identifiers: ClinVar variation 2056135 (VCV002056135.28), dbSNP rs759333847, ClinGen allele CA3729262.